The following is an entry in ClinVar:

ClinVar aggregate classification (germline): Pathogenic/Likely pathogenic. Review status: criteria provided, multiple submitters, no conflicts (2 of 4 stars). 10 submissions from 10 submitters: Pathogenic (7); Likely pathogenic (1). 2 of the submissions do not count toward it. Last evaluated 2025-09-02.

Conditions:
SPAST-related disorder. Also called: SPAST-related condition.
Hereditary spastic paraplegia. Also called: Familial spastic paraparesis. Identifiers: Orphanet 685, MedGen C0037773, MONDO:0019064. Disease mechanism: loss of function.
Hereditary spastic paraplegia 4. Also called: Spastic paraplegia 4, autosomal dominant; Familial spastic paraplegia autosomal dominant 2; Spastic Paraplegia 4. Identifiers: Orphanet 100985, MedGen C1866855, MONDO:0008438, OMIM 182601.

Allele frequency attached by ClinVar (database versions not stated): gnomAD exomes below 0.00001.
gnomAD v4.1: 3 of 1,612,686 alleles (0.00019%); highest among the groups gnomAD compares: African/African-American, 0.0013%; no homozygotes.

Submissions (10):

Labcorp Genetics (formerly Invitae), Labcorp
Classification: Pathogenic for Hereditary spastic paraplegia 4. Last evaluated: 2025-09-02. Review status: criteria provided, single submitter. Criteria: Invitae Variant Classification Sherloc (09022015). Collection method: clinical testing. Allele origin: germline.
Comment: This sequence change replaces isoleucine, which is neutral and non-polar, with valine, which is neutral and non-polar, at codon 406 of the SPAST protein (p.Ile406Val). This variant is not present in population databases (gnomAD no frequency). This missense change has been observed in individual(s) with hereditary spastic paraplegia and was observed to be de novo in at least one individual (PMID: 16476945, 16682546, 16832076, 17971434, 18701882, 19423133). In at least one individual the variant was observed to be de novo. It has also been observed to segregate with disease in related individuals. Invitae Evidence Modeling of clinical and family history, age, sex, and reported ancestry of multiple individuals with this SPAST variant has been performed. This variant is expected to be pathogenic with a positive predictive value of at least 99%. This is a validated machine learning model that incorporates the clinical features of 4,195 individuals referred to our laboratory for SPAST testing. ClinVar contains an entry for this variant (Variation ID: 5675). Invitae Evidence Modeling of protein sequence and biophysical properties (such as structural, functional, and spatial information, amino acid conservation, physicochemical variation, residue mobility, and thermodynamic stability) indicates that this missense variant is not expected to disrupt SPAST protein function with a negative predictive value of 80%. Algorithms developed to predict the effect of sequence changes on RNA splicing suggest that this variant may disrupt the consensus splice site. For these reasons, this variant has been classified as Pathogenic.

Variantyx, Inc.
Classification: Pathogenic for Hereditary spastic paraplegia 4. Last evaluated: 2025-07-29. Review status: criteria provided, single submitter. Criteria: Variantyx Assertion Criteria 2022. Collection method: clinical testing. Allele origin: de novo. Inheritance: Autosomal dominant inheritance. Affected: yes.
Comment: This is a nonsynonymous variant in the SPAST gene (OMIM: 604277). Pathogenic variants in this gene have been associated with autosomal dominant spastic paraplegia 4. This variant likely occurred de novo in individuals reported in the published literature; however, the possibility of parental germline mosaicism cannot be excluded (PMID: 16682546) (PS2). This variant has been reported in at least three unrelated affected individuals (PMID: 34983064, 16682546) (PS4_Moderate). Functional studies have shown that this variant alters SPAST protein function (PMID: 16476945) (PS3), and multiple computational algorithms predict a deleterious effect for this variant (REVEL score: 0.773) (PP3). Moreiver, the variant lies within a known hotspot for pathogenic variants or a well-established critical functional domain of the SPAST protein (PM1). . This variant has a 0.0030% maximum allele frequency in non-founder control populations (PM2). Based on the current evidence, this variant is classified as pathogenic for autosomal dominant spastic paraplegia 4.

GeneDx
Classification: Pathogenic. Last evaluated: 2024-01-30. Review status: criteria provided, single submitter. Criteria: GeneDx Variant Classification Process June 2021. Collection method: clinical testing. Allele origin: germline. Affected: yes.
Comment: Identified in patients with HSP in published literature, but segregation data is limited or absent for these individuals due to the lack of clinical information provided and/or insufficient participation by informative family members (PMID: 16682546, 19423133, 20562464); Published functional studies demonstrate damaging effects, including aberrant in-frame splicing, destabilization of mutated transcript, and deficient in microtubule-severing activity (PMID: 16476945); Not observed at significant frequency in large population cohorts (gnomAD); In silico analysis supports a deleterious effect on splicing; This variant is associated with the following publications: (PMID: 30476002, 16832076, 20562464, 19423133, 16476945, 31157359, 16055926, 34758253, 21139634, 26094131, 31594988, 34983064, 16682546)

Blueprint Genetics
Classification: Pathogenic for SPAST-related disorders. Last evaluated: 2021-09-06. Review status: criteria provided, single submitter. Criteria: ACMG Guidelines, 2015. Collection method: clinical testing. Allele origin: germline. Affected: yes. Observed: 1 variant allele.

Athena Diagnostics
Classification: Pathogenic. Last evaluated: 2020-12-16. Review status: criteria provided, single submitter. Criteria: Athena Diagnostics criteria. Collection method: clinical testing. Allele origin: unknown.
Comment: This variant has not been reported in large, multi-ethnic general populations. Computational tools yielded predictions that this variant may result in the gain of a cryptic splice site without affecting the natural splice sites. This variant has been identified in multiple unrelated individuals with clinical features associated with this gene. Assessment of experimental evidence regarding the effect of this variant on protein function is inconclusive. This variant resulted in a 30-bp deletion when expressed in a cell line. However, only 20% of transcript was affected and it is unclear if this is sufficient aberrant transcript to cause disease (PMID 16476945). Computational tools predict that this variant is damaging. The variant is located in a region that is considered important for protein function and/or structure.

Genome Diagnostics Laboratory, The Hospital for Sick Children
Classification: Pathogenic for Hereditary spastic paraplegia. Last evaluated: 2017-08-15. Review status: criteria provided, single submitter. Criteria: ACMG Guidelines, 2015. Collection method: clinical testing. Allele origin: germline. Affected: yes.

Juno Genomics, Hangzhou Juno Genomics, Inc
Classification: Likely pathogenic for Hereditary spastic paraplegia 4. Review status: criteria provided, single submitter. Criteria: ACMG Guidelines, 2015. Collection method: clinical testing. Allele origin: germline.
Comment: Absent from controls (or at extremely low frequency if recessive) in Genome Aggregation Database.;Multiple lines of computational evidence support a deleterious effect on the gene or gene product.;The prevalence of the variant in affected individuals is significantly increased compared to the prevalence in controls.;Assumed de novo, but without confirmation of paternity and maternity.;Patient's phenotype or family history is highly specific for a disease with a single genetic etiology.

Paris Brain Institute, Inserm - ICM
Classification: Pathogenic for Hereditary spastic paraplegia 4. Review status: criteria provided, single submitter. Criteria: ACMG Guidelines, 2015. Collection method: clinical testing. Allele origin: unknown. Affected: yes. Observed: 2 variant alleles.

OMIM
Classification: Pathogenic for SPASTIC PARAPLEGIA 4. Last evaluated: 2006-02-14. Review status: no assertion criteria provided. Collection method: literature only. Allele origin: germline. Not counted in ClinVar's aggregate classification.

Genomics England Pilot Project, Genomics England
Classification: Likely pathogenic for Hereditary spastic paraplegia 4. Review status: no assertion criteria provided. Criteria: ACGS Guidelines, 2016. Collection method: clinical testing. Allele origin: germline. Affected: yes. Not counted in ClinVar's aggregate classification.

Literature cited by the submitters: PubMed 16476945 (cited by 4 submitters); PubMed 16682546 (cited by 3 submitters); PubMed 16832076 (cited by Labcorp Genetics (formerly Invitae), Labcorp and Athena Diagnostics); PubMed 17971434 (cited by Labcorp Genetics (formerly Invitae), Labcorp and Athena Diagnostics); PubMed 18701882 (cited by Labcorp Genetics (formerly Invitae), Labcorp and Athena Diagnostics); PubMed 19423133 (cited by Labcorp Genetics (formerly Invitae), Labcorp and Athena Diagnostics); PubMed 34983064 (cited by Variantyx, Inc.); PubMed 16055926 (cited by Athena Diagnostics); PubMed 30476002 (cited by Athena Diagnostics); PubMed 31157359 (cited by Athena Diagnostics).

NM_014946.4(SPAST):c.1216A>G (p.Ile406Val)

Gene: SPAST (spastin; plus strand). Cytogenetic location: 2p22.3.
Variant type: single nucleotide variant.
Coding change: c.1216A>G on transcript NM_014946.4 (MANE Select); coding-DNA position 1216, A replaced by G.
Protein change: p.Ile406Val; replaces isoleucine 406 with valine.
Molecular consequence: missense variant.
Genome position (GRCh38, 1-based): chr2:32,128,450, A>G. VCF-style: chr2-32128450-A-G. GRCh37 (hg19) VCF-style: chr2-32353519-A-G.
Other names: c.1213A>G, p.Ile405Val (NM_001363823.2); c.1117A>G, p.Ile373Val (NM_001363875.2); c.1120A>G, p.Ile374Val (NM_001377959.1, NM_199436.2); short protein forms I406V, I374V, I405V, I373V.
Identifiers: ClinVar variation 5675 (VCV000005675.26), dbSNP rs587777757, ClinGen allele CA253568.